The following is an entry in ClinVar:

NM_002449.5(MSX2):c.452C>T (p.Thr151Ile)

Gene: MSX2 (msh homeobox 2; plus strand). Cytogenetic location: 5q35.2.
Variant type: single nucleotide variant.
Coding change: c.452C>T on transcript NM_002449.5 (MANE Select); coding-DNA position 452, C replaced by T.
Protein change: p.Thr151Ile; replaces threonine 151 with isoleucine.
Molecular consequence: missense variant. On other transcripts: 3 prime UTR variant (1).
Genome position (GRCh38, 1-based): chr5:174,729,231, C>T. VCF-style: chr5-174729231-C-T. GRCh37 (hg19) VCF-style: chr5-174156234-C-T.
Other names: c.*76C>T (NM_001363626.2); short protein forms T151I.
Identifiers: ClinVar variation 3009146 (VCV003009146.3), dbSNP rs1760871886, ClinGen allele CA362229908.
Genomic context (GRCh38, chr5:174,729,231, plus strand): 5'-CTACCACCTGCACCCTGAGGAAACACAAGACCAATCGGAAGCCGCGCACGCCCTTTACCA[C>T]ATCCCAGCTCCTCGCCCTGGAGCGCAAGTTCCGTCAGAAACAGTACCTCTCCATTGCAGA-3'
Protein context (NP_002440.2, residues 141-161): TNRKPRTPFT[Thr151Ile]SQLLALERKF

ClinVar aggregate classification (germline): Uncertain significance (1 of 4 stars; one submission).

Conditions:
Cranium bifidum occultum. Also called: Enlarged Parietal Foramina; CATLIN MARKS; CRANIUM BIFIDUM, HEREDITARY. Identifiers: MedGen C1868598, HP:0004423.

Allele frequency attached by ClinVar (database versions not stated): gnomAD exomes below 0.00001; gnomAD 0.00001; TOPMed 0.00003.
gnomAD v4.1: 3 of 1,614,116 alleles (0.00019%); highest among the groups gnomAD compares: Admixed American, 0.005%; no homozygotes.

Submission:

Labcorp Genetics (formerly Invitae), Labcorp
Classification: Uncertain significance for Cranium bifidum occultum. Last evaluated: 2024-02-04. Review status: criteria provided, single submitter. Criteria: Invitae Variant Classification Sherloc (09022015). Collection method: clinical testing. Allele origin: germline.
Comment: This sequence change replaces threonine, which is neutral and polar, with isoleucine, which is neutral and non-polar, at codon 151 of the MSX2 protein (p.Thr151Ile). This variant is not present in population databases (gnomAD no frequency). This variant has not been reported in the literature in individuals affected with MSX2-related conditions. Advanced modeling of protein sequence and biophysical properties (such as structural, functional, and spatial information, amino acid conservation, physicochemical variation, residue mobility, and thermodynamic stability) performed at Invitae indicates that this missense variant is expected to disrupt MSX2 protein function with a positive predictive value of 80%. In summary, the available evidence is currently insufficient to determine the role of this variant in disease. Therefore, it has been classified as a Variant of Uncertain Significance.